The following is an entry in ClinVar:

ClinVar aggregate classification (germline): Conflicting classifications of pathogenicity. Review status: criteria provided, conflicting classifications (1 of 4 stars). 14 submissions from 14 submitters: Uncertain significance (10); Likely benign (3). 1 of the submissions does not count toward it. Last evaluated 2026-05-03.

Conditions:
Ovarian cancer. Also called: OVARIAN CANCER, SOMATIC. Identifiers: Orphanet 213500, MedGen C1140680, MONDO:0008170, OMIM 167000.
Fanconi anemia complementation group J. Also called: BRIP1-Related Fanconi Anemia. Identifiers: Orphanet 84, MedGen C1836860, MONDO:0012187, OMIM 609054.
Familial ovarian cancer. Identifiers: MedGen C5679802, MONDO:0016248.
BRIP1-related disorder. Also called: BRIP1-related condition; BRIP1-related disorders. Identifiers: MedGen CN239206.
Breast and/or ovarian cancer. Identifiers: MedGen CN221562.
Familial cancer of breast. Also called: Hereditary breast cancer; BREAST CANCER, FAMILIAL; hereditary breast carcinoma. Identifiers: Orphanet 227535, MedGen C0346153, MONDO:0016419, OMIM 114480. Disease mechanism: loss of function.
Hereditary cancer-predisposing syndrome. Also called: Neoplastic Syndromes, Hereditary; Tumor predisposition; Hereditary neoplastic syndrome; Hereditary Cancer Syndrome. Identifiers: Orphanet 140162, MedGen C0027672, MeSH D009386, MONDO:0015356.

Allele frequency attached by ClinVar (database versions not stated): gnomAD 0.00002 and 0.00003; gnomAD exomes 0.00004; ExAC 0.00005; TOPMed 0.00008.
gnomAD v4.1: 55 of 1,613,520 alleles (0.0034%); highest among the groups gnomAD compares: South Asian, 0.0044%; no homozygotes.

Submissions (14):

PreventionGenetics, part of Exact Sciences
Classification: Uncertain significance for BRIP1-related condition. Last evaluated: 2026-05-03. Review status: criteria provided, single submitter. Criteria: ACMG Guidelines, 2015. Collection method: clinical testing. Allele origin: germline.
Comment: The BRIP1 c.3571A>G variant is predicted to result in the amino acid substitution p.Ile1191Val. This variant was reported in individuals with breast cancer and in an individual with pancreatic ductal adenocarcinoma (Jalkh et al. 2017. PubMed ID: 28202063, Table 2; Easton et al. 2016. PubMed ID: 26921362; Shindo et al. 2017. PubMed ID: 28767289, Table A2). This variant is reported in 0.0097% of alleles in individuals of Ashkenazi Jewish descent in gnomAD and has conflicting interpretations regarding its pathogenicity in ClinVar, ranging from likely benign to uncertain (Variation ID: 186989). Although we suspect that this variant may be benign, at this time, the clinical significance of this variant is uncertain due to the absence of conclusive functional and genetic evidence.

Labcorp Genetics (formerly Invitae), Labcorp
Classification: Likely benign for Familial cancer of breast; Fanconi anemia complementation group J. Last evaluated: 2026-01-30. Review status: criteria provided, single submitter. Criteria: Invitae Variant Classification Sherloc (09022015). Collection method: clinical testing. Allele origin: germline.

Institute for Biomarker Research, Medical Diagnostic Laboratories, L.L.C.
Classification: Uncertain significance for Hereditary cancer-predisposing syndrome. Last evaluated: 2025-08-04. Review status: criteria provided, single submitter. Criteria: ACMG Guidelines, 2015. Collection method: clinical testing. Allele origin: germline.
Comment: The missense variant NM_032043.3(BRIP1):c.3571A>G (p.Ile1191Val) has not been reported previously as a pathogenic variant t, to our knowledge. The p.Ile1191Val variant is not predicted to introduce a novel splice site by any splice site algorithm. The p.Ile1191Val missense variant is predicted to be tolerated by both SIFT or PolyPhen2. The valine residue at codon 1191 of BRIP1 is present in Hedgehog and 1 other mammalian species. The nucleotide c.3571 in BRIP1 is not conserved according to a GERP++ and PhyloP analysis of 100 vertebrates. For these reasons, this variant has been classified as Uncertain Significance.

Quest Diagnostics Nichols Institute San Juan Capistrano
Classification: Uncertain significance. Last evaluated: 2025-07-07. Review status: criteria provided, single submitter. Criteria: Quest Diagnostics criteria. Collection method: clinical testing. Allele origin: unknown.
Comment: The BRIP1 c.3571A>G (p.Ile1191Val) variant has been reported in the published literature in individuals with breast cancer (PMID: 26921362 (2016)) and pancreatic cancer (PMIDs: 28767289 (2017) and 32659497 (2020)), as well as in breast cancer cases and reportedly unaffected individuals in a large-scale breast cancer association study (PMID: 33471991 (2021), see also LOVD. The frequency of this variant in the general population (Genome Aggregation Database) is uninformative in the assessment of its pathogenicity. Analysis of this variant using bioinformatics tools for the prediction of the effect of amino acid changes on protein structure and function yielded predictions that this variant is benign. Based on the available information, we are unable to determine the clinical significance of this variant.

Molecular Pathology, Peter Maccallum Cancer Centre
Classification: Uncertain significance for Familial ovarian cancer. Last evaluated: 2025-05-16. Review status: criteria provided, single submitter. Criteria: ACMG Guidelines, 2015. Collection method: clinical testing. Allele origin: germline. Inheritance: Autosomal dominant inheritance.

Color Diagnostics, LLC DBA Color Health
Classification: Likely benign for Hereditary cancer-predisposing syndrome. Last evaluated: 2024-09-19. Review status: criteria provided, single submitter. Criteria: ACMG Guidelines, 2015. Collection method: clinical testing. Allele origin: germline.

GeneDx
Classification: Uncertain significance. Last evaluated: 2024-08-11. Review status: criteria provided, single submitter. Criteria: GeneDx Variant Classification Process June 2021. Collection method: clinical testing. Allele origin: germline. Affected: yes.
Comment: In silico analysis indicates that this missense variant does not alter protein structure/function; Observed in individuals with breast, pancreatic, and other cancers (PMID: 26921362, 28202063, 28767289, 29360161, 32659497); This variant is associated with the following publications: (PMID: 26921362, 28202063, 28767289, 29360161, 32659497, 33471991, 28492532, 36243179)

Ambry Genetics
Classification: Likely benign for Hereditary cancer-predisposing syndrome. Last evaluated: 2024-02-14. Review status: criteria provided, single submitter. Criteria: Ambry Variant Classification Scheme 2023. Collection method: clinical testing. Allele origin: germline.

KCCC/NGS Laboratory, Kuwait Cancer Control Center
Classification: Uncertain significance for Familial cancer of breast. Last evaluated: 2024-01-31. Review status: criteria provided, single submitter. Criteria: ACMG Guidelines, 2015. Collection method: clinical testing. Allele origin: germline. Inheritance: Autosomal dominant inheritance. Affected: yes. Observed: 1 heterozygote.
Comment: This sequence change replaces isoleucine, which is neutral and non-polar, with valine, which is neutral and non-polar, at codon 1191 of the BRIP1 protein (p.Ile1191Val). . This amino acid position is poorly conserved. This variant is present in population databases (rs761405340, gnomAD 0.01%). This missense change has been observed in individual(s) with breast cancer (PMID: 26921362, 28202063, 28767289). ClinVar contains an entry for this variant (Variation ID: 186989).In silico analysis supports that this missense variant does not alter protein structure/function. In summary, the available evidence is currently insufficient to determine the role of this variant in disease. Therefore, it has been classified as a Variant of Uncertain Significance.

Myriad Genetics, Inc.
Classification: Uncertain significance for Familial cancer of breast. Last evaluated: 2023-02-28. Review status: criteria provided, single submitter. Criteria: Myriad Autosomal Dominant, Autosomal Recessive and X-Linked Classification Criteria (2023). Collection method: clinical testing. Allele origin: unknown.
Comment: This variant is classified as a variant of uncertain significance as there is insufficient evidence to determine its impact on protein function and/or cancer risk.

Sema4
Classification: Uncertain significance for Hereditary cancer-predisposing syndrome. Last evaluated: 2022-03-17. Review status: criteria provided, single submitter. Criteria: Sema4 Curation Guidelines. Collection method: curation. Allele origin: germline.
Comment: The BRIP1 c.3571A>G (p.I1191V) variant has been reported in heterozygosity in several individuals with breast cancer (PMID: 26921362, 28202063, 33471991), two individuals with pancreatic cancer (PMID: 28767289, 29360161), and at least one healthy control (PMID: 33471991). This variant was observed in 10/282174 chromosomes across all populations in the large and broad cohorts of the Genome Aggregation Database. The variant has been reported in ClinVar (Variation ID 186989). In silico tools suggest the impact of the variant on protein function is benign, though these predictions have not been confirmed by functional studies. The overall evidence is insufficient to meet ACMG/AMP criteria for classifying it as benign or pathogenic. In summary, the clinical significance of this variant is currently uncertain.

CHEO Genetics Diagnostic Laboratory, Children's Hospital of Eastern Ontario
Classification: Uncertain significance for Breast and/or ovarian cancer. Last evaluated: 2019-09-26. Review status: criteria provided, single submitter. Criteria: ACMG Guidelines, 2015. Collection method: clinical testing. Allele origin: germline.

Women's Health and Genetics/Laboratory Corporation of America, LabCorp
Classification: Uncertain significance. Last evaluated: 2017-11-20. Review status: criteria provided, single submitter. Criteria: LabCorp Variant Classification Summary - May 2015. Collection method: clinical testing. Allele origin: germline.
Comment: Variant summary: The BRIP1 variant, c.3571A>G (p.ile1191Val) involves a non-conserved nucleotide and 5/5 in silico tools predict benign outcome. The variant is located outside of any know functional domain or repeat (InterPro). No functional studies confirming an effect of this change on protein function have been published at the time of evaluation. The variant is present in the control population dataset gnomAD at a frequency of 0.00003 (8/245616 chrs tested), which does not exceed the maximal expected allele frequency for a pathogenic BRIP1 variant (0.00006). The variant has been reported in at least two BrC individuals without strong evidence for causality (Easton_2016; Jalkh_2017). The variant is cited as uncertain significance by reputable databases/clinical laboratories. Taken together, the variant was classified as a "Variant of Uncertain Significance (VUS)," until new information becomes available.

Counsyl
Classification: Uncertain significance for Fanconi anemia complementation group J; Ovarian cancer. Last evaluated: 2017-01-27. Review status: no assertion criteria provided. Collection method: clinical testing. Allele origin: unknown. Not counted in ClinVar's aggregate classification.

Literature cited by the submitters: PubMed 28767289 (cited by 3 submitters); PubMed 26921362 (cited by 4 submitters); PubMed 32659497 (cited by Quest Diagnostics Nichols Institute San Juan Capistrano); PubMed 28202063 (cited by 4 submitters); PubMed 33471991 (cited by Sema4); PubMed 29360161 (cited by Sema4).

NM_032043.3(BRIP1):c.3571A>G (p.Ile1191Val)

Gene: BRIP1 (BRCA1 interacting DNA helicase 1; minus strand). Cytogenetic location: 17q23.2.
Variant type: single nucleotide variant.
Coding change: c.3571A>G on transcript NM_032043.3 (MANE Select); coding-DNA position 3571, A replaced by G.
Protein change: p.Ile1191Val; replaces isoleucine 1191 with valine.
Molecular consequence: missense variant.
Genome position (GRCh38, 1-based): chr17:61,683,475, T>C on the plus strand (A>G on the coding strand, the complement: BRIP1 is on the minus strand). VCF-style: chr17-61683475-T-C. GRCh37 (hg19) VCF-style: chr17-59760836-T-C.
Other names: short protein forms I1191V.
Identifiers: ClinVar variation 186989 (VCV000186989.37), dbSNP rs761405340, ClinGen allele CA196415.